The following is an entry in ClinVar:

ClinVar aggregate classification (germline): Uncertain significance (1 of 4 stars; one submission).

Conditions:
Charcot-Marie-Tooth disease type 2R. Also called: CHARCOT-MARIE-TOOTH DISEASE, AXONAL, AUTOSOMAL RECESSIVE, TYPE 2R; Charcot-Marie-Tooth disease, axonal, type 2R; CHARCOT-MARIE-TOOTH NEUROPATHY, TYPE 2R. Identifiers: Orphanet 397968, MedGen C3809655, MONDO:0014208, OMIM 615490.

Submission:

Labcorp Genetics (formerly Invitae), Labcorp
Classification: Uncertain significance for Charcot-Marie-Tooth disease type 2R. Last evaluated: 2021-11-25. Review status: criteria provided, single submitter. Criteria: Invitae Variant Classification Sherloc (09022015). Collection method: clinical testing. Allele origin: germline.
Comment: In summary, the available evidence is currently insufficient to determine the role of this variant in disease. Therefore, it has been classified as a Variant of Uncertain Significance. Algorithms developed to predict the effect of missense changes on protein structure and function are either unavailable or do not agree on the potential impact of this missense change (SIFT: "Deleterious"; PolyPhen-2: "Benign"; Align-GVGD: "Class C25"). This variant has not been reported in the literature in individuals affected with TRIM2-related conditions. This variant is not present in population databases (gnomAD no frequency). This sequence change replaces glutamic acid, which is acidic and polar, with glutamine, which is neutral and polar, at codon 44 of the TRIM2 protein (p.Glu44Gln).

NM_015271.5(TRIM2):c.211G>C (p.Glu71Gln)

Gene: TRIM2 (tripartite motif containing 2; plus strand). Cytogenetic location: 4q31.3.
Variant type: single nucleotide variant.
Coding change: c.211G>C on transcript NM_015271.5 (MANE Select); coding-DNA position 211, G replaced by C.
Protein change: p.Glu71Gln; replaces glutamic acid 71 with glutamine.
Molecular consequence: missense variant. On other transcripts: 5 prime UTR variant (3), intron variant (1).
Genome position (GRCh38, 1-based): chr4:153,270,515, G>C. VCF-style: chr4-153270515-G-C. GRCh37 (hg19) VCF-style: chr4-154191667-G-C.
Other names: c.130G>C, p.Glu44Gln (NM_001130067.2, NM_001351056.2, NM_001375512.1 and 5 more transcripts); c.211G>C, p.Glu71Gln (NM_001302692.2, NM_001375488.1, NM_001375490.1 and 1 more transcripts); c.208G>C, p.Glu70Gln (NM_001302693.2, NM_001375489.1, NM_001375491.1 and 1 more transcripts); c.184G>C, p.Glu62Gln (NM_001302694.2, NM_001351054.2); c.181G>C, p.Glu61Gln (NM_001351055.2); c.-347G>C (NM_001351057.2); c.-79G>C (NM_001375522.1, NM_001375523.1); c.-124-5378G>C (NM_001375525.1); short protein forms E44Q, E70Q, E61Q, E62Q, E71Q.
Identifiers: ClinVar variation 1464133 (VCV001464133.6), dbSNP rs2150035596, ClinGen allele CA358469409.